The following is an entry in ClinVar:

NM_001242896.3(DEPDC5):c.562+1G>T

Gene: DEPDC5 (DEP domain containing 5, GATOR1 subcomplex subunit; plus strand). Cytogenetic location: 22q12.2.
Variant type: single nucleotide variant.
Coding change: c.562+1G>T on transcript NM_001242896.3 (MANE Select); the canonical splice donor site of the intron after coding-DNA position 562, G replaced by T.
Molecular consequence: splice donor variant.
Genome position (GRCh38, 1-based): chr22:31,783,986, G>T. VCF-style: chr22-31783986-G-T. GRCh37 (hg19) VCF-style: chr22-32179972-G-T.
Other names: c.562+1G>T (NM_001364318.2, NM_001136029.4, NM_014662.6 and 7 more transcripts); c.478+1G>T (NM_001369902.1, NM_001369901.1).
Identifiers: ClinVar variation 3677190 (VCV003677190.3).

ClinVar aggregate classification (germline): Pathogenic/Likely pathogenic. Review status: criteria provided, multiple submitters, no conflicts (2 of 4 stars). 2 submissions from 2 submitters: Pathogenic (1); Likely pathogenic (1). Last evaluated 2024-02-06.

Conditions:
Familial focal epilepsy with variable foci (FPEVF). Identifiers: Orphanet 98820, MedGen C1858477, MONDO:0020310.
Epilepsy, familial focal, with variable foci 1 (FFEVF1). Also called: DEPDC5-Related Epilepsy. Identifiers: MedGen C4551983, MONDO:0024556, OMIM 604364.

Submissions (2):

Labcorp Genetics (formerly Invitae), Labcorp
Classification: Pathogenic for Familial focal epilepsy with variable foci. Last evaluated: 2024-02-06. Review status: criteria provided, single submitter. Criteria: Invitae Variant Classification Sherloc (09022015). Collection method: clinical testing. Allele origin: germline.
Comment: This sequence change affects a donor splice site in intron 9 of the DEPDC5 gene. It is expected to disrupt RNA splicing. Variants that disrupt the donor or acceptor splice site typically lead to a loss of protein function (PMID: 16199547), and loss-of-function variants in DEPDC5 are known to be pathogenic (PMID: 23542697, 23542701). This variant is not present in population databases (gnomAD no frequency). Disruption of this splice site has been observed in individuals with autosomal dominant DEPDC5-related conditions (PMID: 34489640; Invitae). Algorithms developed to predict the effect of sequence changes on RNA splicing suggest that this variant may disrupt the consensus splice site. For these reasons, this variant has been classified as Pathogenic.

Juno Genomics, Hangzhou Juno Genomics, Inc
Classification: Likely pathogenic for Epilepsy, familial focal, with variable foci 1. Review status: criteria provided, single submitter. Criteria: ACMG Guidelines, 2015. Collection method: clinical testing. Allele origin: germline. Affected: yes.
Comment: Absent from controls (or at extremely low frequency if recessive) in Genome Aggregation Database, Exome Sequencing Project, 1000 Genomes Project, or Exome Aggregation Consortium.;Null variant in a gene where loss of function (LOF) is a known mechanism of disease.

Literature cited by the submitters: PubMed 16199547 (cited by Labcorp Genetics (formerly Invitae), Labcorp); PubMed 23542697 (cited by Labcorp Genetics (formerly Invitae), Labcorp); PubMed 23542701 (cited by Labcorp Genetics (formerly Invitae), Labcorp); PubMed 34489640 (cited by Labcorp Genetics (formerly Invitae), Labcorp).